The following is an entry in ClinVar:

NM_145199.3(LIPT1):c.736C>G (p.His246Asp)

Genes: LIPT1 (lipoyltransferase 1; plus strand), MITD1 (microtubule interacting and trafficking domain containing 1; minus strand). Cytogenetic location: 2q11.2.
Variant type: single nucleotide variant.
Coding change: c.736C>G on transcript NM_145199.3 (MANE Select); coding-DNA position 736, C replaced by G.
Protein change: p.His246Asp; replaces histidine 246 with aspartic acid.
Molecular consequence: missense variant. On other transcripts: non-coding transcript variant (2).
Genome position (GRCh38, 1-based): chr2:99,162,693, C>G. VCF-style: chr2-99162693-C-G. GRCh37 (hg19) VCF-style: chr2-99779156-C-G.
Other names: c.736C>G, p.His246Asp (NM_001204830.2, NM_015929.4, NM_145197.3 and 1 more transcripts); c.736C>G (NM_145199.2); short protein forms H246D.
Identifiers: ClinVar variation 2304154 (VCV002304154.3), dbSNP rs2093805866, ClinGen allele CA347854776.

ClinVar aggregate classification (germline): Uncertain significance. Review status: criteria provided, multiple submitters, no conflicts (2 of 4 stars). 2 submissions from 2 submitters: Uncertain significance (2). Last evaluated 2025-06-01.

Conditions:
Inborn genetic diseases. Identifiers: MedGen C0950123, MeSH D030342.

gnomAD v4.1: 22 of 1,614,156 alleles (0.0014%); highest among the groups gnomAD compares: Non-Finnish European, 0.0018%; no homozygotes.

Submissions (2):

GeneDx
Classification: Uncertain significance. Last evaluated: 2025-06-01. Review status: criteria provided, single submitter. Criteria: GeneDx Variant Classification Process June 2021. Collection method: clinical testing. Allele origin: germline. Affected: yes.
Comment: Not observed at significant frequency in large population cohorts (gnomAD); In silico analysis suggests that this missense variant does not alter protein structure/function; Has not been previously published as pathogenic or benign to our knowledge

Ambry Genetics
Classification: Uncertain significance for Inborn genetic diseases. Last evaluated: 2022-08-01. Review status: criteria provided, single submitter. Criteria: Ambry Variant Classification Scheme 2023. Collection method: clinical testing. Allele origin: germline.